The following is an entry in ClinVar:

NM_144997.7(FLCN):c.1234G>A (p.Ala412Thr)

Gene: FLCN (folliculin; minus strand). Cytogenetic location: 17p11.2.
Variant type: single nucleotide variant.
Coding change: c.1234G>A on transcript NM_144997.7 (MANE Select); coding-DNA position 1234, G replaced by A.
Protein change: p.Ala412Thr; replaces alanine 412 with threonine.
Molecular consequence: missense variant.
Genome position (GRCh38, 1-based): chr17:17,216,446, C>T on the plus strand (G>A on the coding strand, the complement: FLCN is on the minus strand). VCF-style: chr17-17216446-C-T. GRCh37 (hg19) VCF-style: chr17-17119760-C-T.
Other names: c.1288G>A, p.Ala430Thr (NM_001353229.2); c.1234G>A, p.Ala412Thr (NM_001353230.2, NM_001353231.2); short protein forms A430T, A412T.
Identifiers: ClinVar variation 3850574 (VCV003850574.1).

ClinVar aggregate classification (germline): Uncertain significance (1 of 4 stars; one submission).

Conditions:
Hereditary cancer-predisposing syndrome. Also called: Hereditary neoplastic syndrome; Neoplastic Syndromes, Hereditary; Tumor predisposition; Hereditary Cancer Syndrome. Identifiers: Orphanet 140162, MedGen C0027672, MeSH D009386, MONDO:0015356.

Submission:

Ambry Genetics
Classification: Uncertain significance for Hereditary cancer-predisposing syndrome. Last evaluated: 2025-01-25. Review status: criteria provided, single submitter. Criteria: Ambry Variant Classification Scheme 2023. Collection method: clinical testing. Allele origin: germline.
Comment: The p.A412T variant (also known as c.1234G>A), located in coding exon 8 of the FLCN gene, results from a G to A substitution at nucleotide position 1234. The alanine at codon 412 is replaced by threonine, an amino acid with similar properties. This amino acid position is conserved. In addition, the in silico prediction for this alteration is inconclusive. Based on the available evidence, the clinical significance of this variant remains unclear.